The following is an entry in ClinVar:

Conditions:
Breast-ovarian cancer, familial, susceptibility to, 1 (BROVCA1). Also called: BRCA1 Hereditary Breast and Ovarian Cancer; OVARIAN CANCER, SUSCEPTIBILITY TO. Identifiers: Orphanet 145, MedGen C2676676, MONDO:0011450, OMIM 604370. Disease mechanism: loss of function.

Submission:

Brotman Baty Institute, University of Washington
No classification provided (evidence only). Condition: Breast-ovarian cancer, familial 1. Review status: no classification provided. Collection method: in vitro. Allele origin: not applicable. Functional consequence: functionally_normal.
ClinVar note: "not provided" was previously submitted as the classification for the variant. However, the classification appeared to be based only on an observation of functional data so it was converted to no classification on 2025-07-30.

NM_007294.4(BRCA1):c.5268G>T (p.Gln1756His)

Gene: BRCA1 (BRCA1 DNA repair associated; minus strand). Cytogenetic location: 17q21.31.
Variant type: single nucleotide variant.
Coding change: c.5268G>T on transcript NM_007294.4 (MANE Select); coding-DNA position 5268, G replaced by T.
Protein change: p.Gln1756His; replaces glutamine 1756 with histidine.
Molecular consequence: missense variant. On other transcripts: non-coding transcript variant (1).
Genome position (GRCh38, 1-based): chr17:43,057,061, C>A on the plus strand (G>T on the coding strand, the complement: BRCA1 is on the minus strand). VCF-style: chr17-43057061-C-A. GRCh37 (hg19) VCF-style: chr17-41209078-C-A.
Other names: c.5055G>T, p.Gln1685His (NM_001407571.1, NM_001407900.1, NM_001407902.1 and 12 more transcripts); c.5334G>T, p.Gln1778His (NM_001407581.1, NM_001407582.1); c.5331G>T, p.Gln1777His (NM_001407583.1, NM_001407585.1, NM_001407587.1 and 1 more transcripts); c.5265G>T, p.Gln1755His (NM_001407610.1, NM_001407611.1, NM_001407612.1 and 17 more transcripts); c.5262G>T, p.Gln1754His (NM_001407629.1, NM_001407630.1, NM_001407631.1 and 14 more transcripts); c.5208G>T, p.Gln1736His (NM_001407649.1); c.5190G>T, p.Gln1730His (NM_001407652.1, NM_001407653.1, NM_001407654.1 and 1 more transcripts); c.5187G>T, p.Gln1729His (NM_001407656.1, NM_001407657.1, NM_001407658.1); and 72 more; short protein forms Q1709H, Q1756H, Q652H, Q1777H, Q1460H, Q1627H, Q1629H, Q1645H.
Identifiers: ClinVar variation 865221 (VCV000865221.3), dbSNP rs571834423, ClinGen allele CA10591018.